The following is an entry in ClinVar:

NM_001369.3(DNAH5):c.1351_1355del (p.Gln451fs)

Gene: DNAH5 (dynein axonemal heavy chain 5; minus strand). Cytogenetic location: 5p15.2.
Variant type: Microsatellite.
Coding change: c.1351_1355del on transcript NM_001369.3 (MANE Select); coding-DNA positions 1351 to 1355, 5 bases deleted (CAAAA; older notation c.1351_1355delCAAAA).
Protein change: p.Gln451fs; shifts the reading frame from glutamine 451.
Molecular consequence: frameshift variant.
Genome position (GRCh38, 1-based): chr5:13,913,924-13,913,928, TTTTG deleted on the plus strand (CAAAA on the coding strand, the reverse complement: DNAH5 is on the minus strand); deleting any 5 consecutive bases within chr5:13,913,924-13,913,934 gives the same sequence; the c. name uses the placement nearest the transcript's 3' end. VCF-style (leftmost placement, unchanged base first): chr5-13913923-CTTTTG-C. GRCh37 (hg19) VCF-style: chr5-13914032-CTTTTG-C.
Other names: short protein forms Q451fs.
Identifiers: ClinVar variation 1075247 (VCV001075247.11), dbSNP rs2151981160, ClinGen allele CA2578271148.

ClinVar aggregate classification (germline): Pathogenic. Review status: criteria provided, multiple submitters, no conflicts (2 of 4 stars). 2 submissions from 2 submitters: Pathogenic (2). Last evaluated 2022-08-20.

Conditions:
Primary ciliary dyskinesia. Also called: Ciliary dyskinesia. Identifiers: Orphanet 244, MedGen C0008780, MONDO:0016575, HP:0012265.
Primary ciliary dyskinesia 3. Identifiers: Orphanet 244, MedGen C1837618, MONDO:0012085, OMIM 608644.

Submissions (2):

Labcorp Genetics (formerly Invitae), Labcorp
Classification: Pathogenic for Primary ciliary dyskinesia. Last evaluated: 2022-08-20. Review status: criteria provided, single submitter. Criteria: Invitae Variant Classification Sherloc (09022015). Collection method: clinical testing. Allele origin: germline.
Comment: For these reasons, this variant has been classified as Pathogenic. ClinVar contains an entry for this variant (Variation ID: 1075247). This variant has not been reported in the literature in individuals affected with DNAH5-related conditions. This variant is not present in population databases (gnomAD no frequency). This sequence change creates a premature translational stop signal (p.Gln451Alafs*2) in the DNAH5 gene. It is expected to result in an absent or disrupted protein product. Loss-of-function variants in DNAH5 are known to be pathogenic (PMID: 11788826, 16627867).

Revvity Omics, Revvity
Classification: Pathogenic for Primary ciliary dyskinesia 3. Last evaluated: 2020-11-25. Review status: criteria provided, single submitter. Criteria: ACMG Guidelines, 2015. Collection method: clinical testing. Allele origin: germline.

Literature cited by the submitters: PubMed 11788826 (cited by Labcorp Genetics (formerly Invitae), Labcorp); PubMed 16627867 (cited by Labcorp Genetics (formerly Invitae), Labcorp).